The following is an entry in ClinVar:

NM_001905.4(CTPS1):c.1235A>G (p.Asn412Ser)

Gene: CTPS1 (CTP synthase 1; plus strand). Cytogenetic location: 1p34.2.
Variant type: single nucleotide variant.
Coding change: c.1235A>G on transcript NM_001905.4 (MANE Select); coding-DNA position 1235, A replaced by G.
Protein change: p.Asn412Ser; replaces asparagine 412 with serine.
Molecular consequence: missense variant. On other transcripts: non-coding transcript variant (1).
Genome position (GRCh38, 1-based): chr1:41,003,159, A>G. VCF-style: chr1-41003159-A-G. GRCh37 (hg19) VCF-style: chr1-41468831-A-G.
Other names: c.1235A>G (NM_001905.2); c.767A>G, p.Asn256Ser (NM_001301237.2); short protein forms N412S, N256S.
Identifiers: ClinVar variation 1364394 (VCV001364394.7), dbSNP rs928104008, ClinGen allele CA21146515.

ClinVar aggregate classification (germline): Uncertain significance. Review status: criteria provided, multiple submitters, no conflicts (2 of 4 stars). 2 submissions from 2 submitters: Uncertain significance (2). Last evaluated 2024-12-16.

Conditions:
Combined immunodeficiency due to CTPS1 deficiency. Also called: Severe combined immunodeficiency due to CTPS1 deficiency; Immunodeficiency 24. Identifiers: Orphanet 420573, MedGen C4014617, MONDO:0014391, OMIM 615897.

Allele frequency attached by ClinVar (database versions not stated): gnomAD exomes 0.00001; gnomAD 0.00002; TOPMed 0.00002.
gnomAD v4.1: 32 of 1,614,034 alleles (0.002%); highest among the groups gnomAD compares: African/African-American, 0.011%; no homozygotes.

Submissions (2):

Labcorp Genetics (formerly Invitae), Labcorp
Classification: Uncertain significance for Combined immunodeficiency due to CTPS1 deficiency. Last evaluated: 2024-12-16. Review status: criteria provided, single submitter. Criteria: Invitae Variant Classification Sherloc (09022015). Collection method: clinical testing. Allele origin: germline.
Comment: This sequence change replaces asparagine, which is neutral and polar, with serine, which is neutral and polar, at codon 412 of the CTPS1 protein (p.Asn412Ser). This variant is present in population databases (no rsID available, gnomAD 0.008%). This variant has not been reported in the literature in individuals affected with CTPS1-related conditions. ClinVar contains an entry for this variant (Variation ID: 1364394). An algorithm developed to predict the effect of missense changes on protein structure and function outputs the following: PolyPhen-2: "Benign". The serine amino acid residue is found in multiple mammalian species, which suggests that this missense change does not adversely affect protein function. In summary, the available evidence is currently insufficient to determine the role of this variant in disease. Therefore, it has been classified as a Variant of Uncertain Significance.

Ambry Genetics
Classification: Uncertain significance. Last evaluated: 2024-06-10. Review status: criteria provided, single submitter. Criteria: Ambry Variant Classification Scheme 2023. Collection method: clinical testing. Allele origin: germline.